The following is an entry in ClinVar:

NM_012330.4(KAT6B):c.3232G>A (p.Glu1078Lys)

Gene: KAT6B (lysine acetyltransferase 6B; plus strand). Cytogenetic location: 10q22.2.
Variant type: single nucleotide variant.
Coding change: c.3232G>A on transcript NM_012330.4 (MANE Select); coding-DNA position 3232, G replaced by A.
Protein change: p.Glu1078Lys; replaces glutamic acid 1078 with lysine.
Molecular consequence: missense variant.
Genome position (GRCh38, 1-based): chr10:75,022,091, G>A. VCF-style: chr10-75022091-G-A. GRCh37 (hg19) VCF-style: chr10-76781849-G-A.
Other names: c.2683G>A, p.Glu895Lys (NM_001256468.2, NM_001370138.1); c.2356G>A, p.Glu786Lys (NM_001256469.2, NM_001370139.1, NM_001370140.1 and 2 more transcripts); c.2194G>A, p.Glu732Lys (NM_001370132.1); c.1543G>A, p.Glu515Lys (NM_001370133.1); c.1147G>A, p.Glu383Lys (NM_001370134.1); c.889G>A, p.Glu297Lys (NM_001370135.1); c.3232G>A, p.Glu1078Lys (NM_001370136.1, NM_001370137.1); c.2167G>A, p.Glu723Lys (NM_001370143.1, NM_001370144.1); short protein forms E1078K, E297K, E383K, E515K, E723K, E732K, E786K, E895K.
Identifiers: ClinVar variation 1208898 (VCV001208898.9), dbSNP rs184028635, ClinGen allele CA5564757.

ClinVar aggregate classification (germline): Conflicting classifications of pathogenicity. Review status: criteria provided, conflicting classifications (1 of 4 stars). 2 submissions from 2 submitters: Uncertain significance (1); Likely benign (1). Last evaluated 2025-05-22.

Conditions:
Genitopatellar syndrome (GTPTS). Also called: Genitopatellar syndrome (GPS); ABSENT PATELLAE, SCROTAL HYPOPLASIA, RENAL ANOMALIES, FACIAL DYSMORPHISM, AND MENTAL RETARDATION. Identifiers: Orphanet 85201, MedGen C1853566, MONDO:0011640, OMIM 606170.

Allele frequency attached by ClinVar (database versions not stated): TOPMed 0.00002; gnomAD 0.00003; gnomAD exomes 0.00003 and 0.00005; ExAC 0.00007; 1000 Genomes Project 30x 0.00016; 1000 Genomes Project 0.00020.
gnomAD v4.1: 45 of 1,611,880 alleles (0.0028%); highest among the groups gnomAD compares: Admixed American, 0.013%; no homozygotes.

Submissions (2):

Labcorp Genetics (formerly Invitae), Labcorp
Classification: Uncertain significance for Genitopatellar syndrome. Last evaluated: 2025-05-22. Review status: criteria provided, single submitter. Criteria: Invitae Variant Classification Sherloc (09022015). Collection method: clinical testing. Allele origin: germline.
Comment: This sequence change replaces glutamic acid, which is acidic and polar, with lysine, which is basic and polar, at codon 1078 of the KAT6B protein (p.Glu1078Lys). The frequency data for this variant in the population databases is considered unreliable, as metrics indicate poor data quality at this position in the gnomAD database. This variant has not been reported in the literature in individuals affected with KAT6B-related conditions. ClinVar contains an entry for this variant (Variation ID: 1208898). Invitae Evidence Modeling of protein sequence and biophysical properties (such as structural, functional, and spatial information, amino acid conservation, physicochemical variation, residue mobility, and thermodynamic stability) indicates that this missense variant is not expected to disrupt KAT6B protein function with a negative predictive value of 80%. In summary, the available evidence is currently insufficient to determine the role of this variant in disease. Therefore, it has been classified as a Variant of Uncertain Significance.

GeneDx
Classification: Likely benign. Last evaluated: 2021-05-04. Review status: criteria provided, single submitter. Criteria: GeneDx Variant Classification Process June 2021. Collection method: clinical testing. Allele origin: germline. Affected: yes.